The following is an entry in ClinVar:

ClinVar aggregate classification (germline): Uncertain significance. Review status: criteria provided, multiple submitters, no conflicts (2 of 4 stars). 3 submissions from 3 submitters: Uncertain significance (3). Last evaluated 2025-12-01.

Conditions:
Emery-Dreifuss muscular dystrophy 5, autosomal dominant (EDMD5). Also called: EMERY-DREIFUSS MUSCULAR DYSTROPHY 5. Identifiers: Orphanet 261, MedGen C2751805, MONDO:0013072, OMIM 612999.

Allele frequency attached by ClinVar (database versions not stated): gnomAD exomes 0.00001 and 0.00005; ExAC 0.00009; TOPMed 0.00014; gnomAD 0.00017 and 0.00019; 1000 Genomes Project 30x 0.00047; 1000 Genomes Project 0.00060.
gnomAD v4.1: 42 of 1,613,994 alleles (0.0026%); highest among the groups gnomAD compares: African/African-American, 0.053%; no homozygotes.

Submissions (3):

Labcorp Genetics (formerly Invitae), Labcorp
Classification: Uncertain significance for Emery-Dreifuss muscular dystrophy 5, autosomal dominant. Last evaluated: 2025-12-01. Review status: criteria provided, single submitter. Criteria: Invitae Variant Classification Sherloc (09022015). Collection method: clinical testing. Allele origin: germline.
Comment: This sequence change replaces leucine, which is neutral and non-polar, with serine, which is neutral and polar, at codon 5310 of the SYNE2 protein (p.Leu5310Ser). This variant is present in population databases (rs199976741, gnomAD 0.07%), and has an allele count higher than expected for a pathogenic variant. This variant has not been reported in the literature in individuals affected with SYNE2-related conditions. ClinVar contains an entry for this variant (Variation ID: 470943). An algorithm developed to predict the effect of missense changes on protein structure and function (PolyPhen-2) suggests that this variant is likely to be disruptive. In summary, the available evidence is currently insufficient to determine the role of this variant in disease. Therefore, it has been classified as a Variant of Uncertain Significance.

Ambry Genetics
Classification: Uncertain significance. Last evaluated: 2025-09-26. Review status: criteria provided, single submitter. Criteria: Ambry Variant Classification Scheme 2023. Collection method: clinical testing. Allele origin: germline.

Women's Health and Genetics/Laboratory Corporation of America, LabCorp
Classification: Uncertain significance. Last evaluated: 2025-05-09. Review status: criteria provided, single submitter. Criteria: LabCorp Variant Classification Summary - May 2015. Collection method: clinical testing. Allele origin: germline.
Comment: Variant summary: SYNE2 c.15929T>C (p.Leu5310Ser) results in a non-conservative amino acid change in the encoded protein sequence. Algorithms developed to predict the effect of missense changes on protein structure and function are either unavailable or do not agree on the potential impact of this missense change. The variant allele was found at a frequency of 5.2e-05 in 250874 control chromosomes (gnomAD). This frequency is not significantly higher than estimated for a pathogenic variant in SYNE2 causing Emery-Dreifuss muscular dystrophy 5, autosomal dominant, allowing no conclusion about variant significance. To our knowledge, no occurrence of c.15929T>C in individuals affected with Emery-Dreifuss muscular dystrophy 5, autosomal dominant and no experimental evidence demonstrating its impact on protein function have been reported. ClinVar contains an entry for this variant (Variation ID: 470943). Based on the evidence outlined above, the variant was classified as uncertain significance.

NM_182914.3(SYNE2):c.15929T>C (p.Leu5310Ser)

Gene: SYNE2 (spectrin repeat containing nuclear envelope protein 2; plus strand). Cytogenetic location: 14q23.2.
Variant type: single nucleotide variant.
Coding change: c.15929T>C on transcript NM_182914.3 (MANE Select); coding-DNA position 15929, T replaced by C.
Protein change: p.Leu5310Ser; replaces leucine 5310 with serine.
Molecular consequence: missense variant.
Genome position (GRCh38, 1-based): chr14:64,158,761, T>C. VCF-style: chr14-64158761-T-C. GRCh37 (hg19) VCF-style: chr14-64625479-T-C.
Other names: c.15929T>C, p.Leu5310Ser (NM_015180.6); short protein forms L5310S.
Identifiers: ClinVar variation 470943 (VCV000470943.11), dbSNP rs199976741, ClinGen allele CA7223219.